The following is an entry in ClinVar:

ClinVar aggregate classification (germline): Uncertain significance (1 of 4 stars; one submission).

Conditions:
Malignant hyperthermia, susceptibility to, 1 (MHS1). Also called: RYR1-Related Malignant Hyperthermia Susceptibility; Anesthesia related hyperthermia; Malignant hyperpyrexia; Fulminating hyperpyrexia; Pharmacogenic myopathy; Malignant hyperthermia suceptibility 1. Identifiers: Orphanet 423, MedGen C2930980, MONDO:0007783, OMIM 145600.

gnomAD v4.1: 1 of 1,545,608 alleles (0.000065%); highest among the groups gnomAD compares: South Asian, 0.0012%; no homozygotes.

Submission:

All of Us Research Program, National Institutes of Health
Classification: Uncertain significance for Malignant hyperthermia, susceptibility to, 1. Last evaluated: 2024-06-09. Review status: criteria provided, single submitter. Criteria: ACMG Guidelines, 2015. Collection method: clinical testing. Allele origin: germline. Inheritance: Autosomal dominant inheritance. Observed: 2 variant alleles, 2 heterozygotes.
Comment: This missense variant replaces proline with threonine at codon 1059 of the RYR1 protein. Computational prediction suggests that this variant may not impact protein structure and function (internally defined REVEL score threshold <= 0.5, PMID: 27666373). To our knowledge, functional studies have not been reported for this variant. This variant has not been reported in individuals affected with RYR1-related disorders in the literature. This variant has not been identified in the general population by the Genome Aggregation Database (gnomAD). The available evidence is insufficient to determine the role of this variant in disease conclusively. Therefore, this variant is classified as a Variant of Uncertain Significance.

This study involves interpretation of variants in research participants for the purpose of population health screening. Participant phenotype was not available at the time of variant classification. Additional details can be found in publication PMID: 35346344, PMCID: PMC8962531

NM_000540.3(RYR1):c.3175C>A (p.Pro1059Thr)

Gene: RYR1 (ryanodine receptor 1; plus strand). Cytogenetic location: 19q13.2.
Variant type: single nucleotide variant.
Coding change: c.3175C>A on transcript NM_000540.3 (MANE Select); coding-DNA position 3175, C replaced by A.
Protein change: p.Pro1059Thr; replaces proline 1059 with threonine.
Molecular consequence: missense variant.
Genome position (GRCh38, 1-based): chr19:38,466,395, C>A. VCF-style: chr19-38466395-C-A. GRCh37 (hg19) VCF-style: chr19-38957035-C-A.
Other names: c.3175C>A, p.Pro1059Thr (NM_001042723.2); short protein forms P1059T.
Identifiers: ClinVar variation 3070190 (VCV003070190.2), dbSNP rs558190898, ClinGen allele CA405636023.